The following is an entry in ClinVar:

ClinVar aggregate classification (germline): Uncertain significance. Review status: criteria provided, single submitter (1 of 4 stars). 2 submissions from 1 submitter: Uncertain significance (2). Last evaluated 2022-10-15.

Conditions:
Hereditary cancer-predisposing syndrome. Also called: Hereditary Cancer Syndrome; Hereditary neoplastic syndrome; Neoplastic Syndromes, Hereditary; Tumor predisposition. Identifiers: Orphanet 140162, MedGen C0027672, MeSH D009386, MONDO:0015356.
Inborn genetic diseases. Identifiers: MedGen C0950123, MeSH D030342.

Allele frequency attached by ClinVar (database versions not stated): gnomAD exomes 0.00002; ExAC 0.00007; gnomAD 0.00021; TOPMed 0.00024; ESP Exome Variant Server 0.00031; 1000 Genomes Project 0.00040; 1000 Genomes Project 30x 0.00062.
gnomAD v4.1: 64 of 1,614,206 alleles (0.004%); highest among the groups gnomAD compares: African/African-American, 0.069%; no homozygotes.

Submissions (2):

Ambry Genetics
Classification: Uncertain significance for Hereditary cancer-predisposing syndrome. Last evaluated: 2022-10-15. Review status: criteria provided, single submitter. Criteria: Ambry General Variant Classification Scheme_2022. Collection method: clinical testing. Allele origin: germline. Observed: 1 variant allele.
Comment: The p.V458M variant (also known as c.1372G>A), located in coding exon 6 of the PALLD gene, results from a G to A substitution at nucleotide position 1372. The valine at codon 458 is replaced by methionine, an amino acid with highly similar properties. This amino acid position is conserved. In addition, the in silico prediction for this alteration is inconclusive. Since supporting evidence is limited at this time, the clinical significance of this alteration remains unclear.

Ambry Genetics
Classification: Uncertain significance for Inborn genetic diseases. Last evaluated: 2022-10-12. Review status: criteria provided, single submitter. Criteria: Ambry General Variant Classification Scheme_2022. Collection method: clinical testing. Allele origin: germline. Observed: 1 variant allele.

NM_001166108.2(PALLD):c.1372G>A (p.Val458Met)

Gene: PALLD (palladin, cytoskeletal associated protein; plus strand). Cytogenetic location: 4q32.3.
Variant type: single nucleotide variant.
Coding change: c.1372G>A on transcript NM_001166108.2 (MANE Select); coding-DNA position 1372, G replaced by A.
Protein change: p.Val458Met; replaces valine 458 with methionine.
Molecular consequence: missense variant.
Genome position (GRCh38, 1-based): chr4:168,690,639, G>A. VCF-style: chr4-168690639-G-A. GRCh37 (hg19) VCF-style: chr4-169611790-G-A.
Other names: c.226G>A, p.Val76Met (NM_001166109.2); c.1372G>A, p.Val458Met (NM_016081.4); c.1372G>A (NM_001166108.1); short protein forms V458M, V76M.
Identifiers: ClinVar variation 1771079 (VCV001771079.3), dbSNP rs147463221, ClinGen allele CA3135599.
Genomic context (GRCh38, chr4:168,690,639, plus strand): 5'-TCCTTGAATTTCCTTGAATTTCAGGAACTGCAAAACACAGCCGTGGCGGAAGGCCAGGTG[G>A]TGGTTCTGGAGTGCCGGGTCCGTGGGGCACCCCCTCTGCAGGTCCAGTGGTTTCGGCAAG-3'
Protein context (NP_001159580.1, residues 448-468): QNTAVAEGQV[Val458Met]VLECRVRGAP